The following is an entry in ClinVar:

NM_020923.3(ZDBF2):c.4090C>T (p.Pro1364Ser)

Gene: ZDBF2 (zinc finger DBF-type containing 2; plus strand). Cytogenetic location: 2q33.3.
Variant type: single nucleotide variant.
Coding change: c.4090C>T on transcript NM_020923.3 (MANE Select); coding-DNA position 4090, C replaced by T.
Protein change: p.Pro1364Ser; replaces proline 1364 with serine.
Molecular consequence: missense variant.
Genome position (GRCh38, 1-based): chr2:206,308,618, C>T. VCF-style: chr2-206308618-C-T. GRCh37 (hg19) VCF-style: chr2-207173342-C-T.
Other names: c.4084C>T, p.Pro1362Ser (NM_001285549.2); c.4090C>T, p.Pro1364Ser (NM_001369654.1); short protein forms P1362S, P1364S.
Identifiers: ClinVar variation 2798770 (VCV002798770.3), dbSNP rs748656093, ClinGen allele CA2072240.

ClinVar aggregate classification (germline): Uncertain significance (1 of 4 stars; one submission).

Allele frequency attached by ClinVar (database versions not stated): ExAC 0.00001; gnomAD exomes 0.00001.
gnomAD v4.1: 8 of 1,613,000 alleles (0.0005%); highest among the groups gnomAD compares: South Asian, 0.0055%; no homozygotes.

Submission:

Labcorp Genetics (formerly Invitae), Labcorp
Classification: Uncertain significance. Last evaluated: 2022-12-17. Review status: criteria provided, single submitter. Criteria: Invitae Variant Classification Sherloc (09022015). Collection method: clinical testing. Allele origin: germline.
Comment: Algorithms developed to predict the effect of missense changes on protein structure and function output the following: SIFT: "Deleterious"; PolyPhen-2: "Possibly Damaging"; Align-GVGD: "Class C0". The serine amino acid residue is found in multiple mammalian species, which suggests that this missense change does not adversely affect protein function. This variant has not been reported in the literature in individuals affected with ZDBF2-related conditions. This variant is present in population databases (rs748656093, gnomAD 0.003%). This sequence change replaces proline, which is neutral and non-polar, with serine, which is neutral and polar, at codon 1364 of the ZDBF2 protein (p.Pro1364Ser). In summary, the available evidence is currently insufficient to determine the role of this variant in disease. Therefore, it has been classified as a Variant of Uncertain Significance.